The following is an entry in ClinVar:

NM_033004.4(NLRP1):c.2075G>A (p.Cys692Tyr)

Gene: NLRP1 (NLR family pyrin domain containing 1; minus strand). Cytogenetic location: 17p13.2.
Variant type: single nucleotide variant.
Coding change: c.2075G>A on transcript NM_033004.4 (MANE Select); coding-DNA position 2075, G replaced by A.
Protein change: p.Cys692Tyr; replaces cysteine 692 with tyrosine.
Molecular consequence: missense variant.
Genome position (GRCh38, 1-based): chr17:5,558,621, C>T on the plus strand (G>A on the coding strand, the complement: NLRP1 is on the minus strand). VCF-style: chr17-5558621-C-T. GRCh37 (hg19) VCF-style: chr17-5461941-C-T.
Other names: c.2075G>A, p.Cys692Tyr (NM_001033053.3, NM_014922.5, NM_033006.4 and 1 more transcripts); short protein forms C692Y.
Identifiers: ClinVar variation 2787579 (VCV002787579.3), dbSNP rs1914382655, ClinGen allele CA397383873.

ClinVar aggregate classification (germline): Uncertain significance (1 of 4 stars; one submission).

Allele frequency attached by ClinVar (database versions not stated): TOPMed below 0.00001; gnomAD exomes below 0.00001.
gnomAD v4.1: 2 of 1,614,078 alleles (0.00012%); highest among the groups gnomAD compares: African/African-American, 0.0027%; no homozygotes.

Submission:

Labcorp Genetics (formerly Invitae), Labcorp
Classification: Uncertain significance. Last evaluated: 2025-04-08. Review status: criteria provided, single submitter. Criteria: Invitae Variant Classification Sherloc (09022015). Collection method: clinical testing. Allele origin: germline.
Comment: This sequence change replaces cysteine, which is neutral and slightly polar, with tyrosine, which is neutral and polar, at codon 692 of the NLRP1 protein (p.Cys692Tyr). This variant is not present in population databases (gnomAD no frequency). This variant has not been reported in the literature in individuals affected with NLRP1-related conditions. ClinVar contains an entry for this variant (Variation ID: 2787579). An algorithm developed to predict the effect of missense changes on protein structure and function (PolyPhen-2) suggests that this variant is likely to be tolerated. In summary, the available evidence is currently insufficient to determine the role of this variant in disease. Therefore, it has been classified as a Variant of Uncertain Significance.